The following is an entry in ClinVar:

ClinVar aggregate classification (germline): Likely pathogenic (1 of 4 stars; one submission).

Conditions:
Hereditary cancer-predisposing syndrome. Also called: Hereditary neoplastic syndrome; Hereditary Cancer Syndrome; Neoplastic Syndromes, Hereditary; Tumor predisposition. Identifiers: Orphanet 140162, MedGen C0027672, MeSH D009386, MONDO:0015356.

Submissions (2):

Color Diagnostics, LLC DBA Color Health
Classification: Likely pathogenic for Hereditary cancer-predisposing syndrome. Last evaluated: 2025-02-19. Review status: criteria provided, single submitter. Criteria: ACMG Guidelines, 2015. Collection method: clinical testing. Allele origin: germline.
Comment: This variant causes a G to T nucleotide substitution at the -1 position of intron 12 of the PMS2 gene. Splice site prediction tools predict that this variant may have a significant impact on RNA splicing. Although this prediction has not been confirmed in published RNA studies, this variant is expected to result in an absent or disrupted protein product. This variant has not been reported in individuals affected with PMS2-related disorders in the literature. This variant has not been identified in the general population by the Genome Aggregation Database (gnomAD). Different variant affecting the same splice acceptor site, c.2175-1G>C, c.2175-1G>A, and c.2175-2A>G are described to be disease-causing (ClinVar variation ID: 582701, 1787166, 1787167). Loss of PMS2 function is a known mechanism of disease. Based on the available evidence, this variant is classified as Likely Pathogenic.

Dr. Peter K. Rogan Lab, Western University
No classification provided (evidence only). Condition: Ovarian cancer. Review status: no classification provided. Collection method: in vitro. Allele origin: not applicable. Functional consequence: cryptic splice site, skipped exon. Not counted in ClinVar's aggregate classification.

NM_000535.7(PMS2):c.2175-1G>T

Gene: PMS2 (PMS1 homolog 2, mismatch repair system component; minus strand). Cytogenetic location: 7p22.1.
Variant type: single nucleotide variant.
Coding change: c.2175-1G>T on transcript NM_000535.7 (MANE Select); the canonical splice acceptor site of the intron before coding-DNA position 2175, G replaced by T.
Molecular consequence: splice acceptor variant. On other transcripts: intron variant (2).
Genome position (GRCh38, 1-based): chr7:5,978,697, C>A on the plus strand (G>T on the coding strand, the complement: PMS2 is on the minus strand). VCF-style: chr7-5978697-C-A. GRCh37 (hg19) VCF-style: chr7-6018328-C-A.
Other names: NC_000007.13:g.6018328C>A; c.1857-1G>T (NM_001322008.2, NM_001406883.1, NM_001322007.2 and 1 more transcripts); c.1866-1G>T (NM_001406881.1, NM_001406879.1, NM_001322015.2 and 5 more transcripts); c.1770-1G>T (NM_001406895.1, NM_001322004.2, NM_001406889.1 and 14 more transcripts); c.1404-1G>T (NM_001406911.1); c.1614-1G>T (NM_001322010.2, NM_001406906.1, NM_001406907.1); c.1701-1G>T (NM_001406902.1, NM_001406901.1); c.1662-1G>T (NM_001406904.1, NM_001406905.1); and 17 more.
Identifiers: ClinVar variation 2774122 (VCV002774122.3), dbSNP rs1562605623, ClinGen allele CA366736995.
Genomic context (GRCh38, chr7:5,978,697, plus strand): 5'-ATTTCCAGATTTTCTATCAGAACAGCTTCATTAACAGCAGTTAAGTTGAGAGTCTGAGGT[C>A]TGAAAAACACAAAAATGATTCAAACCATATCCTGAAGTCAAACATTTAGCTTTACAGCAG-3'